The following is an entry in ClinVar:

NM_001363711.2(DUOX2):c.2048G>T (p.Arg683Leu)

Gene: DUOX2 (dual oxidase 2; minus strand). Cytogenetic location: 15q21.1.
Variant type: single nucleotide variant.
Coding change: c.2048G>T on transcript NM_001363711.2 (MANE Select); coding-DNA position 2048, G replaced by T.
Protein change: p.Arg683Leu; replaces arginine 683 with leucine.
Molecular consequence: missense variant.
Genome position (GRCh38, 1-based): chr15:45,106,225, C>A on the plus strand (G>T on the coding strand, the complement: DUOX2 is on the minus strand). VCF-style: chr15-45106225-C-A. GRCh37 (hg19) VCF-style: chr15-45398423-C-A.
Other names: c.2048G>T, p.Arg683Leu (NM_014080.5); short protein forms R683L.
Identifiers: ClinVar variation 752264 (VCV000752264.18), dbSNP rs8028305, ClinGen allele CA7538397.

ClinVar aggregate classification (germline): Conflicting classifications of pathogenicity. Review status: criteria provided, conflicting classifications (1 of 4 stars). 5 submissions from 5 submitters: Likely pathogenic (1); Uncertain significance (3); Likely benign (1). Last evaluated 2025-10-08.

Conditions:
Congenital hypothyroidism. Identifiers: Orphanet 442, MedGen C0010308, MONDO:0018612, HP:0000851.
Thyroid dyshormonogenesis 6 (TDH6). Also called: THYROID HORMONOGENESIS, GENETIC DEFECT IN, 6; HYPOTHYROIDISM, CONGENITAL, DUE TO DYSHORMONOGENESIS, 6; Genetic transient congenital hypothyroidism. Identifiers: Orphanet 226316, Orphanet 95716, MedGen C1846632, MONDO:0011792, OMIM 607200.

Allele frequency attached by ClinVar (database versions not stated): TOPMed 0.00035; 1000 Genomes Project 0.00060; 1000 Genomes Project 30x 0.00062.
gnomAD v4.1: 112 of 1,614,138 alleles (0.0069%); highest among the groups gnomAD compares: East Asian, 0.22%; no homozygotes.

Submissions (5):

Labcorp Genetics (formerly Invitae), Labcorp
Classification: Likely benign. Last evaluated: 2025-10-08. Review status: criteria provided, single submitter. Criteria: Invitae Variant Classification Sherloc (09022015). Collection method: clinical testing. Allele origin: germline.

Cambridge Genomics Laboratory, East Genomic Laboratory Hub, NHS Genomic Medicine Service
Classification: Uncertain significance for Congenital hypothyroidism. Last evaluated: 2025-02-27. Review status: criteria provided, single submitter. Criteria: ACGS Best Practice Guidelines for Variant Classification in Rare Disease 2020. Collection method: clinical testing. Allele origin: germline. Affected: yes.
Comment: PM3_Supporting

3billion
Classification: Uncertain significance for Thyroid dyshormonogenesis 6. Last evaluated: 2023-08-07. Review status: criteria provided, single submitter. Criteria: ACMG Guidelines, 2015. Collection method: clinical testing. Allele origin: germline. Affected: yes.
Comment: The variant is observed at an extremely low frequency in the gnomAD v2.1.1 dataset (total allele frequency: 0.034%). Predicted Consequence/Location: Missense variant In silico tool predictions suggest damaging effect of the variant on gene or gene product (REVEL: 0.43 (>=0.6, sensitivity 0.68 and specificity 0.92); 3Cnet: 0.83 (>=0.6, sensitivity 0.72 and precision 0.9)). A different missense change at the same codon (p.Arg683Cys) has been reported to be associated with DUOX2 related disorder (PMID: 33651715). However the evidence of pathogenicity is insufficient at this time. Therefore, this variant is classified as VUS according to the recommendation of ACMG/AMP guideline.

GeneDx
Classification: Likely pathogenic. Last evaluated: 2023-06-22. Review status: criteria provided, single submitter. Criteria: GeneDx Variant Classification Process June 2021. Collection method: clinical testing. Allele origin: germline. Affected: yes.
Comment: Reported in the homozygous and heterozygous states in individuals with congenital hypothyroidism (CH) or thyroid dyshormonogenesis (DH), however many affected individuals harbored one or more additional variants in DUOX2 and/or other CH- or DH-associated genes, making it difficult to determine the pathogenicity of this variant (Fu et al., 2015; Fu et al., 2016; Fan et al., 2017; Chen et al., 2018; Jiang et al., 2016; Peters et al., 2019); In silico analysis supports that this missense variant has a deleterious effect on protein structure/function; In silico analysis suggests this variant may impact gene splicing. In the absence of RNA/functional studies, the actual effect of this sequence change is unknown.; This variant is associated with the following publications: (PMID: 34539567, 29779043, 27256230, 27173810, 29146476, 31356790, 26349762, 27108200, 28215547, 30022773, 30154845, 27498126, 31044655, 32425884, 33631011, 33490161, 33628596, 33310921, 36207832, 37147621, 34767783, 36555929)

Illumina Laboratory Services, Illumina
Classification: Uncertain significance for Thyroid dyshormonogenesis 6. Last evaluated: 2018-01-13. Review status: criteria provided, single submitter. Criteria: ICSL Variant Classification Criteria 13 December 2019. Collection method: clinical testing. Allele origin: germline.

Literature cited by the submitters: PubMed 33651715 (cited by 3billion).